The following is an entry in ClinVar:

ClinVar aggregate classification (germline): Benign. Review status: reviewed by expert panel (3 of 4 stars). 4 submissions from 4 submitters: Benign (1). 3 of the submissions do not count toward it. Last evaluated 2022-06-06.

Conditions:
Creatine transporter deficiency (CCDS1). Also called: Mental retardation , X-linked with seizures, short stature and midface hypoplasia; Mental retardation , X-linked, with creatine transport deficiency; X-linked creatine transporter deficiency; X-linked creatine deficiency syndrome; SLC6A8-Related Creatine Transporter Deficiency; CREATINE TRANSPORTER DEFECT. Identifiers: Orphanet 52503, MedGen C1845862, MONDO:0010305, OMIM 300352.

Allele frequency attached by ClinVar (database versions not stated): ExAC 0.00017; gnomAD exomes 0.00020 and 0.00047; 1000 Genomes Project 30x 0.00021; gnomAD 0.00021 and 0.00022; TOPMed 0.00021; 1000 Genomes Project 0.00026.
gnomAD v4.1: 531 of 1,183,136 alleles (0.045%); highest among the groups gnomAD compares: Non-Finnish European, 0.056%; 1 homozygote.

Submissions (4):

ClinGen Cerebral Creatine Deficiency Syndromes Variant Curation Expert Panel, ClinGen
Classification: Benign for Creatine transporter deficiency. Last evaluated: 2022-06-06. Review status: reviewed by expert panel. Criteria: ClinGen_CCDS_ACMG_Specifications_SLC6A8_v1.1. Collection method: curation. Allele origin: germline. Inheritance: X-linked inheritance.
Comment: The NM_005629.4:c.645-14C>T variant in SLC6A8 is and intronic variant that is upstream from the acceptor splice site of intron 3. The highest population minor allele frequency in gnomAD v2.1.1 is 0.0004174 in the European non-Finnish population which is higher than the ClinGen CCDS VCEP's allele frequency threshold for BS1 (>0.0002), meeting this criterion (BS1). The variant is present in 9 hemizygotes in gnomAD v2.1.1 (BS2). The computational splicing predictors SpliceAI and varSEAK suggest that the variant has no deleterious impact on splicing (BP4). To our knowledge, this variant has not been reported in the literature and results of functional or splicing studies are unavailable. There is a ClinVar entry for this variant (Variation ID: 384841). In summary, this variant meets the criteria to be classified as benign for creatine transporter deficiency. SLC6A8-specific ACMG-AMP criteria applied, as specified by the ClinGen CCDS VCEP (Specifications Version 1.1.0): BS1, BS2, BP4. (Classification approved by the ClinGen CCDS VCEP on June 6, 2022).

Labcorp Genetics (formerly Invitae), Labcorp
Classification: Benign for Creatine transporter deficiency. Last evaluated: 2026-01-21. Review status: criteria provided, single submitter. Criteria: Invitae Variant Classification Sherloc (09022015). Collection method: clinical testing. Allele origin: germline. Not counted in ClinVar's aggregate classification.

Blueprint Genetics
Classification: Likely benign. Last evaluated: 2024-10-31. Review status: criteria provided, single submitter. Criteria: ACMG Guidelines, 2015. Collection method: clinical testing. Allele origin: germline. Not counted in ClinVar's aggregate classification.

GeneDx
Classification: Likely benign. Last evaluated: 2018-02-22. Review status: criteria provided, single submitter. Criteria: GeneDx Variant Classification (06012015). Collection method: clinical testing. Allele origin: germline. Affected: yes. Not counted in ClinVar's aggregate classification.
Comment: This variant is considered likely benign or benign based on one or more of the following criteria: it is a conservative change, it occurs at a poorly conserved position in the protein, it is predicted to be benign by multiple in silico algorithms, and/or has population frequency not consistent with disease.

NM_005629.4(SLC6A8):c.645-14C>T

Gene: SLC6A8 (solute carrier family 6 member 8; plus strand). Cytogenetic location: Xq28.
Variant type: single nucleotide variant.
Coding change: c.645-14C>T on transcript NM_005629.4 (MANE Select); 14 bases into the intron before coding-DNA position 645, C replaced by T.
Molecular consequence: intron variant.
Genome position (GRCh38, 1-based): chrX:153,691,961, C>T. VCF-style: chrX-153691961-C-T. GRCh37 (hg19) VCF-style: chrX-152957416-C-T.
Other names: c.645-14C>T (NM_001142805.2); c.300-14C>T (NM_001142806.1).
Identifiers: ClinVar variation 384841 (VCV000384841.11), dbSNP rs782227426, ClinGen allele CA10549228.